The following is an entry in ClinVar:

NM_000494.4(COL17A1):c.2407G>T (p.Gly803Ter)

Gene: COL17A1 (collagen type XVII alpha 1 chain; minus strand). Cytogenetic location: 10q25.1.
Variant type: single nucleotide variant.
Coding change: c.2407G>T on transcript NM_000494.4 (MANE Select); coding-DNA position 2407, G replaced by T.
Protein change: p.Gly803Ter; replaces glycine 803 with a stop codon.
Molecular consequence: nonsense.
Genome position (GRCh38, 1-based): chr10:104,043,852, C>A on the plus strand (G>T on the coding strand, the complement: COL17A1 is on the minus strand). VCF-style: chr10-104043852-C-A. GRCh37 (hg19) VCF-style: chr10-105803610-C-A.
Other names: c.2407G>T, p.Gly803Ter (LRG_1249t1); short protein forms G803*.
Identifiers: ClinVar variation 298713 (VCV000298713.20), dbSNP rs752317971, ClinGen allele CA5678484.
Genomic context (GRCh38, chr10:104,043,852, plus strand): 5'-ACAGAAAGGAGGGTCCCTCTAGGACCTGCCTACCCGAAGTCACGATCTTGCCTGGAGCTC[C>A]TGGTTCACCTAGGAAGAGAGGAAAAGGCTGAGAGTGGTTGTTCTGAGGATCAATTAGTGG-3'

ClinVar aggregate classification (germline): Pathogenic. Review status: criteria provided, multiple submitters, no conflicts (2 of 4 stars). 6 submissions from 6 submitters: Pathogenic (5). 1 of the submissions does not count toward it. Last evaluated 2025-11-13.

Conditions:
Epidermolysis bullosa, junctional 4, intermediate. Also called: Epidermolysis bullosa, junctional, localisata variant; EPIDERMOLYSIS BULLOSA, JUNCTIONAL 4, NON-HERLITZ TYPE; EPIDERMOLYSIS BULLOSA, GENERALIZED ATROPHIC BENIGN. Identifiers: MedGen C2608084, MONDO:0030750, OMIM 619787.
Junctional epidermolysis bullosa, non-Herlitz type. Also called: EPIDERMOLYSIS BULLOSA JUNCTIONALIS, DISENTIS TYPE; EPIDERMOLYSIS BULLOSA JUNCTIONALIS, NON-HERLITZ TYPE; EPIDERMOLYSIS BULLOSA JUNCTIONALIS, PROGRESSIVE; EPIDERMOLYSIS BULLOSA JUNCTIONALIS, SEVERE NONLETHAL; Adult junctional epidermolysis bullosa; COL17A1-Related Junctional Epidermolysis Bullosa. Identifiers: Orphanet 251393, Orphanet 79402, Orphanet 79405, Orphanet 89840, MedGen C0268374, MONDO:0009180, OMIM 226650.
COL17A1-related disorder. Also called: COL17A1-related condition.

gnomAD v4.1: 7 of 1,614,070 alleles (0.00043%); highest among the groups gnomAD compares: Non-Finnish European, 0.00059%; no homozygotes.

Submissions (6):

PreventionGenetics, part of Exact Sciences
Classification: Pathogenic for COL17A1-related condition. Last evaluated: 2025-11-13. Review status: criteria provided, single submitter. Criteria: ACMG Guidelines, 2015. Collection method: clinical testing. Allele origin: germline.
Comment: The COL17A1 c.2407G>T variant is predicted to result in premature protein termination (p.Gly803*). This variant has been previously reported as paternally inherited and in the heterozygous state in an individual with atrophic benign epidermolysis bullosa (reported as G803X in Family E, Darling et al. 1997. PubMed ID: 9077475). The c.2407G>T (p.Gly803*) variant has also been reported in the homozygous or compound heterozygous state in individuals with junctional epidermolysis bullosa (see, for example, Hoffmann et al. 2019. PubMed: 30673110; Kiritsi et al. 2011. PubMed ID: 21357940; Condrat et al. 2019. PubMed ID: 30761300). This variant has not been reported in a large population database, indicating this variant is rare. Nonsense variants in COL17A1 are expected to be pathogenic. This variant is interpreted as pathogenic.

GeneDx
Classification: Pathogenic. Last evaluated: 2025-04-25. Review status: criteria provided, single submitter. Criteria: GeneDx Variant Classification Process June 2021. Collection method: clinical testing. Allele origin: germline. Affected: yes.
Comment: Observed with a second COL17A1 variant on the opposite allele (in trans) in patients with epidermolysis bullosa referred for genetic testing at GeneDx and in published literature (PMID: 9077475, 30673110); Nonsense variant predicted to result in protein truncation or nonsense mediated decay in a gene for which loss of function is a known mechanism of disease; Not observed at significant frequency in large population cohorts (gnomAD); This variant is associated with the following publications: (PMID: 25525159, 12558632, 30673110, 9077475, 26502894, 30761300, 21357940)

Labcorp Genetics (formerly Invitae), Labcorp
Classification: Pathogenic. Last evaluated: 2024-01-10. Review status: criteria provided, single submitter. Criteria: Invitae Variant Classification Sherloc (09022015). Collection method: clinical testing. Allele origin: germline.
Comment: This sequence change creates a premature translational stop signal (p.Gly803*) in the COL17A1 gene. It is expected to result in an absent or disrupted protein product. Loss-of-function variants in COL17A1 are known to be pathogenic (PMID: 16473856, 17344927, 20301304, 21357940, 24319098). This variant is present in population databases (rs752317971, gnomAD 0.0009%). This premature translational stop signal has been observed in individual(s) with junctional epidermolysis bullosa (PMID: 9077475). ClinVar contains an entry for this variant (Variation ID: 298713). Algorithms developed to predict the effect of sequence changes on RNA splicing suggest that this variant may disrupt the consensus splice site. For these reasons, this variant has been classified as Pathogenic.

Illumina Laboratory Services, Illumina
Classification: Pathogenic for Junctional epidermolysis bullosa, non-Herlitz type. Last evaluated: 2017-04-28. Review status: criteria provided, single submitter. Criteria: ICSL Variant Classification Criteria 09 May 2019. Collection method: clinical testing. Allele origin: germline.
Comment: The COL17A1 c.2407G>T (p.Gly803Ter) variant is a stop-gained variant predicted to result in premature truncation of the protein. The p.Gly803Ter variant has been reported in two studies in which it is found in a total of six patients with junctional epidermolysis bullosa, including in one in a homozygous state, in four in a compound heterozygous state, and in one in a heterozygous state in whom a second variant was not identified (Darling et al. 1997; Kiritsi et al. 2011). The variant was also detected in a heterozygous state in one unaffected father of one of the compound heterozygotes. The homozygous individual showed severely reduced staining for type XVII collagen in the skin. The p.Gly803Ter variant was absent from one control individual and is reported at a frequency of 0.00001 in the European (non-Finnish) population of the Exome Aggregation Consortium, though this is based on one allele only in a region of good sequence coverage so the variant is presumed to be rare. Due to the potential impact of stop-gained variants and the supporting evidence from the literature, the p.Gly803Ter variant is classified as pathogenic for junctional epidermolysis bullosa. This variant was observed by ICSL as part of a predisposition screen in an ostensibly healthy population.

Eurofins Ntd Llc (ga)
Classification: Pathogenic. Last evaluated: 2016-11-03. Review status: criteria provided, single submitter. Criteria: EGL Classification Definitions 2015. Collection method: clinical testing. Allele origin: germline. Observed: 2 variant alleles, 2 heterozygotes.

OMIM
Classification: Pathogenic for EPIDERMOLYSIS BULLOSA, JUNCTIONAL 4, INTERMEDIATE. Last evaluated: 2022-03-29. Review status: no assertion criteria provided. Collection method: literature only. Allele origin: germline. Not counted in ClinVar's aggregate classification.

Literature cited by the submitters: PubMed 16473856 (cited by Labcorp Genetics (formerly Invitae), Labcorp); PubMed 17344927 (cited by Labcorp Genetics (formerly Invitae), Labcorp); PubMed 20301304 (cited by Labcorp Genetics (formerly Invitae), Labcorp); PubMed 21357940 (cited by Labcorp Genetics (formerly Invitae), Labcorp and Illumina Laboratory Services, Illumina); PubMed 24319098 (cited by Labcorp Genetics (formerly Invitae), Labcorp); PubMed 9077475 (cited by 3 submitters).